The following is an entry in ClinVar:

ClinVar aggregate classification (germline): Likely pathogenic. Review status: criteria provided, multiple submitters, no conflicts (2 of 4 stars). 5 submissions from 5 submitters: Likely pathogenic (5). Last evaluated 2023-01-10.

Conditions:
Inborn genetic diseases. Identifiers: MedGen C0950123, MeSH D030342.
Charcot-Marie-Tooth disease axonal type 2O. Also called: CHARCOT-MARIE-TOOTH NEUROPATHY, AXONAL, TYPE 2O; CHARCOT-MARIE-TOOTH DISEASE, AXONAL, AUTOSOMAL DOMINANT, TYPE 2O; Charcot-Marie-Tooth Neuropathy Type 2O; Charcot-Marie-Tooth disease, axonal, type 20. Identifiers: Orphanet 284232, MedGen C3280220, MONDO:0013644, OMIM 614228.
Cortical dysplasia, complex, with other brain malformations 13. Also called: Intellectual disability, autosomal dominant 13. Identifiers: MedGen C3281202, MONDO:0013805, OMIM 614563.
Autosomal dominant childhood-onset proximal spinal muscular atrophy without contractures. Also called: SPINAL MUSCULAR ATROPHY, JUVENILE, PROXIMAL, AUTOSOMAL DOMINANT; Spinal muscular atrophy, lower extremity-predominant 1, AD; KUGELBERG-WELANDER SYNDROME, AUTOSOMAL DOMINANT; SPINAL MUSCULAR ATROPHY, CHILDHOOD, PROXIMAL, AUTOSOMAL DOMINANT. Identifiers: Orphanet 209341, Orphanet 363447, MedGen C5780022, MONDO:0008026, OMIM 158600.

Submissions (5):

Labcorp Genetics (formerly Invitae), Labcorp
Classification: Likely pathogenic for Charcot-Marie-Tooth disease axonal type 2O. Last evaluated: 2023-01-10. Review status: criteria provided, single submitter. Criteria: Invitae Variant Classification Sherloc (09022015). Collection method: clinical testing. Allele origin: germline.
Comment: In summary, the currently available evidence indicates that the variant is pathogenic, but additional data are needed to prove that conclusively. Therefore, this variant has been classified as Likely Pathogenic. This variant disrupts the p.Arg1962 amino acid residue in DYNC1H1. Other variant(s) that disrupt this residue have been determined to be pathogenic (PMID: 23603762, 28196890, 29314763). This suggests that this residue is clinically significant, and that variants that disrupt this residue are likely to be disease-causing. Advanced modeling of protein sequence and biophysical properties (such as structural, functional, and spatial information, amino acid conservation, physicochemical variation, residue mobility, and thermodynamic stability) performed at Invitae indicates that this missense variant is expected to disrupt DYNC1H1 protein function. ClinVar contains an entry for this variant (Variation ID: 373213). This missense change has been observed in individual(s) with clinical features of DYNC1H1-related conditions (Invitae). This variant is not present in population databases (gnomAD no frequency). This sequence change replaces arginine, which is basic and polar, with histidine, which is basic and polar, at codon 1962 of the DYNC1H1 protein (p.Arg1962His).

Revvity Omics, Revvity
Classification: Likely pathogenic. Last evaluated: 2019-10-25. Review status: criteria provided, single submitter. Criteria: ACMG Guidelines, 2015. Collection method: clinical testing. Allele origin: germline.

Fulgent Genetics
Classification: Likely pathogenic for Autosomal dominant childhood-onset proximal spinal muscular atrophy without contractures; Charcot-Marie-Tooth disease axonal type 2O; Cortical dysplasia, complex, with other brain malformations 13. Last evaluated: 2018-10-31. Review status: criteria provided, single submitter. Criteria: ACMG Guidelines, 2015. Collection method: clinical testing. Allele origin: unknown.

Ambry Genetics
Classification: Likely pathogenic for Inborn genetic diseases. Last evaluated: 2018-03-23. Review status: criteria provided, single submitter. Criteria: Ambry Variant Classification Scheme 2023. Collection method: clinical testing. Allele origin: germline.
Comment: The p.R1962H variant (also known as c.5885G>A), located in coding exon 29 of the DYNC1H1 gene, results from a G to A substitution at nucleotide position 5885. The arginine at codon 1962 is replaced by histidine, an amino acid with highly similar properties. This variant has been determined to be the result of a de novo mutation or germline mosaicism in one family with an isolated case of DYNC1H1-related neurological disorder (Ambry internal data). Internal structural analysis indicates this variant to be disruptive to ATP binding (Ambry internal data; Zhang K et al. Cell, 2017 Jun;169:1303-1314.e18). This amino acid position is highly conserved in available vertebrate species. In addition, this alteration is predicted to be deleterious by in silico analysis. Based on the majority of available evidence to date, this variant is likely to be pathogenic.

GeneDx
Classification: Likely pathogenic. Last evaluated: 2016-11-11. Review status: criteria provided, single submitter. Criteria: GeneDx Variant Classification (06012015). Collection method: clinical testing. Allele origin: germline. Affected: yes.
Comment: The R1962H variant has not been published as a pathogenic variant, nor has it been reported as a benign variant to our knowledge. It was not observed in approximately 6,500 individuals of European and African American ancestry in the NHLBI Exome Sequencing Project, indicating it is not a common benign variant in these populations. This substitution occurs at a position that is conserved across species, and different missense variants in the same residue (R1962C, R1962L) have been reported in the Human Gene Mutation Database in association with DYNC1H1-related disorders (Stenson et al., 2014). In silico analysis predicts this variant is probably damaging to the protein structure/function. However, the R1962H variant is a conservative amino acid substitution, which is not likely to impact secondary protein structure as these residues share similar properties. Therefore, this variant is likely pathogenic; however, the possibility that it is benign cannot be excluded.

Literature cited by the submitters: PubMed 23603762 (cited by Labcorp Genetics (formerly Invitae), Labcorp); PubMed 28196890 (cited by Labcorp Genetics (formerly Invitae), Labcorp); PubMed 29314763 (cited by Labcorp Genetics (formerly Invitae), Labcorp); PubMed 28602352 (cited by Ambry Genetics).

NM_001376.5(DYNC1H1):c.5885G>A (p.Arg1962His)

Gene: DYNC1H1 (dynein cytoplasmic 1 heavy chain 1; plus strand). Cytogenetic location: 14q32.31.
Variant type: single nucleotide variant.
Coding change: c.5885G>A on transcript NM_001376.5 (MANE Select); coding-DNA position 5885, G replaced by A.
Protein change: p.Arg1962His; replaces arginine 1962 with histidine.
Molecular consequence: missense variant.
Genome position (GRCh38, 1-based): chr14:102,008,245, G>A. VCF-style: chr14-102008245-G-A. GRCh37 (hg19) VCF-style: chr14-102474582-G-A.
Other names: short protein forms R1962H.
Identifiers: ClinVar variation 373213 (VCV000373213.16), dbSNP rs1057518287, ClinGen allele CA16042839.